The following is an entry in ClinVar:

NM_004612.4(TGFBR1):c.166G>T (p.Val56Phe)

Gene: TGFBR1 (transforming growth factor beta receptor 1; plus strand). Cytogenetic location: 9q22.33.
Variant type: single nucleotide variant.
Coding change: c.166G>T on transcript NM_004612.4 (MANE Select); coding-DNA position 166, G replaced by T.
Protein change: p.Val56Phe; replaces valine 56 with phenylalanine.
Molecular consequence: missense variant. On other transcripts: 5 prime UTR variant (15), non-coding transcript variant (4), intron variant (3).
Genome position (GRCh38, 1-based): chr9:99,128,923, G>T. VCF-style: chr9-99128923-G-T. GRCh37 (hg19) VCF-style: chr9-101891205-G-T.
Other names: c.166G>T, p.Val56Phe (NM_001130916.3, NM_001306210.2, NM_001407416.1 and 2 more transcripts); c.-42G>T (NM_001407420.1, NM_001407418.1, NM_001407419.1 and 12 more transcripts); c.98-3586G>T (NM_001407436.1); c.98-8936G>T (NM_001407438.1); c.98-13613G>T (NM_001407437.1); short protein forms V56F.
Identifiers: ClinVar variation 3635871 (VCV003635871.2).

ClinVar aggregate classification (germline): Uncertain significance (1 of 4 stars; one submission).

Conditions:
Familial thoracic aortic aneurysm and aortic dissection (TAAD). Also called: Thoracic aortic aneurysms and dissections. Identifiers: Orphanet 91387, MedGen C4707243, MONDO:0019625.

Submission:

Labcorp Genetics (formerly Invitae), Labcorp
Classification: Uncertain significance for Familial thoracic aortic aneurysm and aortic dissection. Last evaluated: 2024-09-25. Review status: criteria provided, single submitter. Criteria: Invitae Variant Classification Sherloc (09022015). Collection method: clinical testing. Allele origin: germline.
Comment: This sequence change replaces valine, which is neutral and non-polar, with phenylalanine, which is neutral and non-polar, at codon 56 of the TGFBR1 protein (p.Val56Phe). This variant is not present in population databases (gnomAD no frequency). This variant has not been reported in the literature in individuals affected with TGFBR1-related conditions. Invitae Evidence Modeling of protein sequence and biophysical properties (such as structural, functional, and spatial information, amino acid conservation, physicochemical variation, residue mobility, and thermodynamic stability) indicates that this missense variant is not expected to disrupt TGFBR1 protein function with a negative predictive value of 95%. Algorithms developed to predict the effect of sequence changes on RNA splicing suggest that this variant may create or strengthen a splice site. In summary, the available evidence is currently insufficient to determine the role of this variant in disease. Therefore, it has been classified as a Variant of Uncertain Significance.